The following is an entry in ClinVar:

NM_003482.4(KMT2D):c.10744C>T (p.Arg3582Trp)

Gene: KMT2D (lysine methyltransferase 2D; minus strand). Cytogenetic location: 12q13.12.
Variant type: single nucleotide variant.
Coding change: c.10744C>T on transcript NM_003482.4 (MANE Select); coding-DNA position 10744, C replaced by T.
Protein change: p.Arg3582Trp; replaces arginine 3582 with tryptophan.
Molecular consequence: missense variant.
Genome position (GRCh38, 1-based): chr12:49,033,961, G>A on the plus strand (C>T on the coding strand, the complement: KMT2D is on the minus strand). VCF-style: chr12-49033961-G-A. GRCh37 (hg19) VCF-style: chr12-49427744-G-A.
Other names: short protein forms R3582W.
Identifiers: ClinVar variation 989256 (VCV000989256.16), dbSNP rs1943085639, ClinGen allele CA384726635.

ClinVar aggregate classification (germline): Pathogenic/Likely pathogenic. Review status: criteria provided, multiple submitters, no conflicts (2 of 4 stars). 5 submissions from 5 submitters: Pathogenic (3); Likely pathogenic (2). Last evaluated 2024-09-10.

Conditions:
Kabuki syndrome 1 (KABUK1). Also called: KMT2D-Related Kabuki Syndrome. Identifiers: Orphanet 2322, MedGen CN030661, MONDO:0007843, OMIM 147920.
KMT2D-related disorder. Also called: KMT2D-Related Disorders.
Kabuki syndrome. Also called: NIIKAWA-KUROKI SYNDROME; Kabuki make-up syndrome. Identifiers: Orphanet 2322, MedGen C0796004, MONDO:0016512.

Allele frequency attached by ClinVar (database versions not stated): gnomAD exomes below 0.00001.
gnomAD v4.1: 1 of 1,532,036 alleles (0.000065%); highest among the groups gnomAD compares: Non-Finnish European, 0.000088%; no homozygotes.

Submissions (5):

GeneDx
Classification: Pathogenic. Last evaluated: 2024-09-10. Review status: criteria provided, single submitter. Criteria: GeneDx Variant Classification Process June 2021. Collection method: clinical testing. Allele origin: germline. Affected: yes.
Comment: Not observed at significant frequency in large population cohorts (gnomAD); In silico analysis supports that this missense variant has a deleterious effect on protein structure/function; This variant is associated with the following publications: (PMID: 31949313, 30459467, 37938362)

Illumina Laboratory Services, Illumina
Classification: Likely pathogenic for KMT2D-related disorder. Last evaluated: 2024-02-20. Review status: criteria provided, single submitter. Criteria: ICSLVariantClassificationCriteria RUGD 01 April 2020. Collection method: clinical testing. Allele origin: unknown.
Comment: The KMT2D c.10744C>T p.(Arg3582Trp) missense variant results in the substitution of arginine at position 3582 with tryptophan. This variant has been reported as a de novo variant in one individual with bilateral hypoplasia of the lacrimal ducts, hearing loss, hypothyroidism, and bilateral hypoplastic nipples suggestive of KMT2D-related disorder (Cuvertino et al. 2020). The c.10744C>T variant lies within exon 39 of the gene, a reported hot spot for variants associated with KMT2D-related disorder. Based on the available evidence, the c.10744C>T, p.(Arg3582Trp) variant is classified as likely pathogenic for KMT2D-related disorder.

Labcorp Genetics (formerly Invitae), Labcorp
Classification: Likely pathogenic for Kabuki syndrome. Last evaluated: 2023-08-04. Review status: criteria provided, single submitter. Criteria: Invitae Variant Classification Sherloc (09022015). Collection method: clinical testing. Allele origin: germline.
Comment: This missense change has been observed in individual(s) with KMT2D-related conditions (PMID: 31949313; Invitae). In at least one individual the variant was observed to be de novo. This variant is not present in population databases (gnomAD no frequency). This sequence change replaces arginine, which is basic and polar, with tryptophan, which is neutral and slightly polar, at codon 3582 of the KMT2D protein (p.Arg3582Trp). ClinVar contains an entry for this variant (Variation ID: 989256). In summary, the currently available evidence indicates that the variant is pathogenic, but additional data are needed to prove that conclusively. Therefore, this variant has been classified as Likely Pathogenic. This variant disrupts the p.Arg3582 amino acid residue in KMT2D. Other variant(s) that disrupt this residue have been determined to be pathogenic (PMID: 31949313, 35060672). This suggests that this residue is clinically significant, and that variants that disrupt this residue are likely to be disease-causing. Experimental studies have shown that this missense change does not substantially affect KMT2D function (PMID: 31949313). Advanced modeling of protein sequence and biophysical properties (such as structural, functional, and spatial information, amino acid conservation, physicochemical variation, residue mobility, and thermodynamic stability) has been performed at Invitae for this missense variant, however the output from this modeling did not meet the statistical confidence thresholds required to predict the impact of this variant on KMT2D protein function.

3billion
Classification: Pathogenic for Kabuki syndrome 1. Last evaluated: 2021-10-02. Review status: criteria provided, single submitter. Criteria: ACMG Guidelines, 2015. Collection method: clinical testing. Allele origin: unknown. Affected: yes. Observed: 1 heterozygote.
Comment: The variant has been previously reported as de novoo in a similarly affected individual (PMID: 31949313). Protein truncation variants are a common disease-causing mechanism (BP1). However, functional studies provide strong evidence of the variant having a damaging effect on the gene or gene product (PMID: 31949313). It is not observed in the gnomAD v2.1.1 dataset (PM2). In silico tool predictions suggest damaging effect of the variant on gene or gene product (3Cnet: 0.775, PP3). Therefore, this variant is classified as pathogenic according to the recommendation of ACMG/AMP guideline.

Rady Children's Institute for Genomic Medicine, Rady Children's Hospital San Diego
Classification: Pathogenic for KMT2D-Related Disorders. Review status: criteria provided, single submitter. Criteria: ACMG Guidelines, 2015. Collection method: clinical testing. Allele origin: germline. Affected: yes.
Comment: This variant has been previously reported as a de novo change in a patient with a multiple malformation disorder distinct from Kabuki Syndrome (PMID: 31949313). The c.10744C>T (p.Arg3582Trp) variant is absent from the gnomAD population database and thus is presumed to be rare. The c.10744C>T (p.Arg3582Trp) variant affects a moderately conserved amino acid and is predicted by multiple in silico tools to have a deleterious effect on protein function. Analysis of the parental samples was negative for the variant, indicating this variant likely occurred as a de novo event. Based on the available evidence, the c.10744C>T (p.Arg3582Trp) variant is classified as Pathogenic.

Literature cited by the submitters: PubMed 31949313 (cited by Labcorp Genetics (formerly Invitae), Labcorp and 3billion); PubMed 35060672 (cited by Labcorp Genetics (formerly Invitae), Labcorp).